The following is an entry in ClinVar:

NM_003062.4(SLIT3):c.2991A>G (p.Pro997=)

Gene: SLIT3 (slit guidance ligand 3; minus strand). Cytogenetic location: 5q34.
Variant type: single nucleotide variant.
Coding change: c.2991A>G on transcript NM_003062.4 (MANE Select); coding-DNA position 2991, A replaced by G.
Protein change: p.Pro997=; no amino-acid change (proline 997 retained).
Molecular consequence: synonymous variant.
Genome position (GRCh38, 1-based): chr5:168,696,383, T>C on the plus strand (A>G on the coding strand, the complement: SLIT3 is on the minus strand). VCF-style: chr5-168696383-T-C. GRCh37 (hg19) VCF-style: chr5-168123388-T-C.
Other names: c.3012A>G, p.Pro1004= (NM_001271946.2).
Identifiers: ClinVar variation 3029294 (VCV003029294.2), dbSNP rs1454938390, ClinGen allele CA447773893.

ClinVar aggregate classification (germline): Likely benign (0 of 4 stars; one submission).

Conditions:
SLIT3-related disorder. Also called: SLIT3-related condition.

Allele frequency attached by ClinVar (database versions not stated): TOPMed 0.00004; gnomAD 0.00011.
gnomAD v4.1: 24 of 1,614,070 alleles (0.0015%); highest among the groups gnomAD compares: Admixed American, 0.037%; no homozygotes.

Submission:

PreventionGenetics, part of Exact Sciences
Classification: Likely benign for SLIT3-related condition. Last evaluated: 2022-04-06. Review status: no assertion criteria provided. Collection method: clinical testing. Allele origin: germline.
Comment: This variant is classified as likely benign based on ACMG/AMP sequence variant interpretation guidelines (Richards et al. 2015 PMID: 25741868, with internal and published modifications).